The following is an entry in ClinVar:

NM_005045.4(RELN):c.2442A>G (p.Ser814=)

Gene: RELN (reelin; minus strand). Cytogenetic location: 7q22.1.
Variant type: single nucleotide variant.
Coding change: c.2442A>G on transcript NM_005045.4 (MANE Select); coding-DNA position 2442, A replaced by G.
Protein change: p.Ser814=; no amino-acid change (serine 814 retained).
Molecular consequence: synonymous variant.
Genome position (GRCh38, 1-based): chr7:103,635,448, T>C on the plus strand (A>G on the coding strand, the complement: RELN is on the minus strand). VCF-style: chr7-103635448-T-C. GRCh37 (hg19) VCF-style: chr7-103275895-T-C.
Other names: c.2442A>G, p.Ser814= (NM_173054.3).
Identifiers: ClinVar variation 1012569 (VCV001012569.49), dbSNP rs759128344, ClinGen allele CA4422004.

ClinVar aggregate classification (germline): Likely benign. Review status: criteria provided, multiple submitters, no conflicts (2 of 4 stars). 4 submissions from 4 submitters: Likely benign (4). Last evaluated 2024-10-16.

Conditions:
Norman-Roberts syndrome (LIS2). Also called: Lissencephaly 2 (Norman-Roberts type). Identifiers: Orphanet 89844, MedGen C0796089, MONDO:0009760, OMIM 257320.
Familial temporal lobe epilepsy 7. Identifiers: Orphanet 101046, MedGen C4225327, MONDO:0014639, OMIM 616436.

Allele frequency attached by ClinVar (database versions not stated): ExAC 0.00002; gnomAD exomes 0.00003 and 0.00001; gnomAD 0.00001; TOPMed 0.00001.
gnomAD v4.1: 22 of 1,613,866 alleles (0.0014%); highest among the groups gnomAD compares: Non-Finnish European, 0.0019%; no homozygotes.

Submissions (4):

Blueprint Genetics
Classification: Likely benign. Last evaluated: 2024-10-16. Review status: criteria provided, single submitter. Criteria: ACMG Guidelines, 2015. Collection method: clinical testing. Allele origin: germline.

Labcorp Genetics (formerly Invitae), Labcorp
Classification: Likely benign for Familial temporal lobe epilepsy 7; Norman-Roberts syndrome. Last evaluated: 2024-06-11. Review status: criteria provided, single submitter. Criteria: Invitae Variant Classification Sherloc (09022015). Collection method: clinical testing. Allele origin: germline.

CeGaT Center for Human Genetics Tuebingen
Classification: Likely benign. Last evaluated: 2023-02-01. Review status: criteria provided, single submitter. Criteria: CeGaT Center For Human Genetics Tuebingen Variant Classification Criteria Version 2. Collection method: clinical testing. Allele origin: germline. Affected: yes. Observed: 2 variant alleles.
Comment: RELN: BP4, BP7

Genetic Services Laboratory, University of Chicago
Classification: Likely benign. Last evaluated: 2019-10-02. Review status: criteria provided, single submitter. Criteria: ACMG Guidelines, 2015. Collection method: clinical testing. Allele origin: germline. Affected: no.